The following is an entry in ClinVar:

NM_152564.5(VPS13B):c.1555CAT[1] (p.His520del)

Gene: VPS13B (vacuolar protein sorting 13 homolog B; plus strand). Cytogenetic location: 8q22.2.
Variant type: Microsatellite.
Coding change: c.1555CAT[1] on transcript NM_152564.5 (MANE Select); one copy of the 3-base unit CAT starting at c.1555; the reference has two copies in a row; one copy, 3 bases deleted.
Protein change: p.His520del; deletes histidine 520.
Molecular consequence: inframe deletion. On other transcripts: inframe indel (2).
Genome position (GRCh38, 1-based): chr8:99,135,728-99,135,730, CAT deleted; deleting any 3 consecutive bases within chr8:99,135,724-99,135,730 gives the same sequence; the position shown is the placement nearest the transcript's 3' end. VCF-style (leftmost placement, unchanged base first): chr8-99135723-CTCA-C. GRCh37 (hg19) VCF-style: chr8-100147951-CTCA-C.
Other names: c.1555CAT[1], p.His520del (NM_015243.3, NM_017890.5); c.1555_1557CAT[1], p.His520del (NM_152564.4); c.1558_1560delCAT (NM_152564.4); short protein forms H520del.
Identifiers: ClinVar variation 4993040 (VCV004993040.1).

ClinVar aggregate classification (germline): Uncertain significance (1 of 4 stars; one submission).

Conditions:
VPS13B-related disorder. Also called: VPS13B-related condition.

Submission:

PreventionGenetics, part of Exact Sciences
Classification: Uncertain significance for VPS13B-related condition. Last evaluated: 2025-09-16. Review status: criteria provided, single submitter. Criteria: ACMG Guidelines, 2015. Collection method: clinical testing. Allele origin: germline.
Comment: The VPS13B c.1558_1560delCAT variant is predicted to result in an in-frame deletion (p.His520del). To our knowledge, this variant has not been reported in the literature or in a large population database (gnomAD), indicating this variant is rare. At this time, the clinical significance of this variant is uncertain due to the absence of conclusive functional and genetic evidence.